The following is an entry in ClinVar:

NM_001378452.1(ITPR1):c.5990G>A (p.Arg1997His)

Gene: ITPR1 (inositol 1,4,5-trisphosphate receptor type 1; plus strand). Cytogenetic location: 3p26.1.
Variant type: single nucleotide variant.
Coding change: c.5990G>A on transcript NM_001378452.1 (MANE Select); coding-DNA position 5990, G replaced by A.
Protein change: p.Arg1997His; replaces arginine 1997 with histidine.
Molecular consequence: missense variant.
Genome position (GRCh38, 1-based): chr3:4,775,252, G>A. VCF-style: chr3-4775252-G-A. GRCh37 (hg19) VCF-style: chr3-4816936-G-A.
Other names: c.5846G>A, p.Arg1949His (NM_001099952.4); c.5945G>A, p.Arg1982His (NM_001168272.2); c.5801G>A, p.Arg1934His (NM_002222.7); short protein forms R1934H, R1949H, R1982H, R1997H.
Identifiers: ClinVar variation 2430877 (VCV002430877.1), dbSNP rs762758498, ClinGen allele CA351637008.

ClinVar aggregate classification (germline): Uncertain significance (1 of 4 stars; one submission).

Allele frequency attached by ClinVar (database versions not stated): gnomAD 0.00002; TOPMed 0.00002.
gnomAD v4.1: 13 of 1,613,662 alleles (0.00081%); highest among the groups gnomAD compares: Middle Eastern, 0.016%; no homozygotes.

Submission:

GeneDx
Classification: Uncertain significance. Last evaluated: 2022-08-19. Review status: criteria provided, single submitter. Criteria: GeneDx Variant Classification Process June 2021. Collection method: clinical testing. Allele origin: germline. Affected: yes.
Comment: In silico analysis supports that this missense variant has a deleterious effect on protein structure/function; Has not been previously published as pathogenic or benign to our knowledge